The following is an entry in ClinVar:

ClinVar aggregate classification (germline): Uncertain significance (1 of 4 stars; one submission).

gnomAD v4.1: 1 of 1,609,270 alleles (0.000062%); highest among the groups gnomAD compares: Non-Finnish European, 0.000085%; no homozygotes.

Submission:

GeneDx
Classification: Uncertain significance. Last evaluated: 2024-12-17. Review status: criteria provided, single submitter. Criteria: GeneDx Variant Classification Process June 2021. Collection method: clinical testing. Allele origin: germline. Affected: yes.
Comment: Not observed at significant frequency in large population cohorts (gnomAD); In silico analysis supports that this missense variant has a deleterious effect on protein structure/function; Has not been previously published as pathogenic or benign to our knowledge

NM_001385012.1(NBEA):c.707C>T (p.Pro236Leu)

Gene: NBEA (neurobeachin; plus strand). Cytogenetic location: 13q13.3.
Variant type: single nucleotide variant.
Coding change: c.707C>T on transcript NM_001385012.1 (MANE Select); coding-DNA position 707, C replaced by T.
Protein change: p.Pro236Leu; replaces proline 236 with leucine.
Molecular consequence: missense variant.
Genome position (GRCh38, 1-based): chr13:35,045,385, C>T. VCF-style: chr13-35045385-C-T. GRCh37 (hg19) VCF-style: chr13-35619522-C-T.
Other names: c.707C>T, p.Pro236Leu (NM_001379245.1, NM_015678.5); short protein forms P236L.
Identifiers: ClinVar variation 3906304 (VCV003906304.1).